The following is an entry in ClinVar:

NM_001281740.3(FHOD3):c.777G>A (p.Thr259=)

Gene: FHOD3 (formin homology 2 domain containing 3; plus strand). Cytogenetic location: 18q12.2.
Variant type: single nucleotide variant.
Coding change: c.777G>A on transcript NM_001281740.3 (MANE Select); coding-DNA position 777, G replaced by A.
Protein change: p.Thr259=; no amino-acid change (threonine 259 retained).
Molecular consequence: synonymous variant.
Genome position (GRCh38, 1-based): chr18:36,602,732, G>A. VCF-style: chr18-36602732-G-A. GRCh37 (hg19) VCF-style: chr18-34182695-G-A.
Other names: c.777G>A (NM_001281740.2); c.777G>A, p.Thr259= (NM_001281739.3, NM_025135.5).
Identifiers: ClinVar variation 4938723 (VCV004938723.2).

ClinVar aggregate classification (germline): Likely benign. Review status: criteria provided, multiple submitters, no conflicts (2 of 4 stars). 2 submissions from 2 submitters: Likely benign (2). Last evaluated 2026-09-23.

Conditions:
FHOD3-related disorder. Also called: FHOD3-related condition.

gnomAD v4.1: 220 of 1,613,996 alleles (0.014%); highest among the groups gnomAD compares: Middle Eastern, 0.033%; no homozygotes.

Submissions (2):

PreventionGenetics, part of Exact Sciences
Classification: Likely benign for FHOD3-related condition. Last evaluated: 2026-09-23. Review status: criteria provided, single submitter. Criteria: ACMG Guidelines, 2015. Collection method: clinical testing. Allele origin: germline.
Comment: This variant is classified as likely benign based on ACMG/AMP sequence variant interpretation guidelines (Richards et al. 2015 PMID: 25741868, with internal and published modifications).

Blueprint Genetics
Classification: Likely benign. Last evaluated: 2024-09-10. Review status: criteria provided, single submitter. Criteria: ACMG Guidelines, 2015. Collection method: clinical testing. Allele origin: germline.